The following is an entry in ClinVar:

ClinVar aggregate classification (germline): Uncertain significance (1 of 4 stars; one submission).

Submission:

CeGaT Center for Human Genetics Tuebingen
Classification: Uncertain significance. Last evaluated: 2024-10-01. Review status: criteria provided, single submitter. Criteria: CeGaT Center For Human Genetics Tuebingen Variant Classification Criteria Version 2. Collection method: clinical testing. Allele origin: germline. Affected: yes. Observed: 1 variant allele.
Comment: SSH1: PM2

NM_018984.4(SSH1):c.2765C>A (p.Thr922Asn)

Gene: SSH1 (slingshot protein phosphatase 1; minus strand). Cytogenetic location: 12q24.11.
Variant type: single nucleotide variant.
Coding change: c.2765C>A on transcript NM_018984.4 (MANE Select); coding-DNA position 2765, C replaced by A.
Protein change: p.Thr922Asn; replaces threonine 922 with asparagine.
Molecular consequence: missense variant.
Genome position (GRCh38, 1-based): chr12:108,788,373, G>T on the plus strand (C>A on the coding strand, the complement: SSH1 is on the minus strand). VCF-style: chr12-108788373-G-T. GRCh37 (hg19) VCF-style: chr12-109182149-G-T.
Other names: short protein forms T922N.
Identifiers: ClinVar variation 3389979 (VCV003389979.14).